The following is an entry in ClinVar:

NM_031885.5(BBS2):c.1871dup (p.Leu624fs)

Gene: BBS2 (Bardet-Biedl syndrome 2; minus strand). Cytogenetic location: 16q13.
Variant type: Duplication.
Coding change: c.1871dup on transcript NM_031885.5 (MANE Select); coding-DNA position 1871, one base duplicated (T; older notation c.1871dupT).
Protein change: p.Leu624fs; shifts the reading frame from leucine 624.
Molecular consequence: frameshift variant. On other transcripts: non-coding transcript variant (5).
Genome position (GRCh38, 1-based): chr16:56,497,006, A duplicated on the plus strand (T on the coding strand, the reverse complement: BBS2 is on the minus strand); the first of 3 consecutive A bases (chr16:56,497,006-56,497,008); duplicating any one gives the same sequence. VCF-style (leftmost placement, unchanged base first): chr16-56497005-C-CA. GRCh37 (hg19) VCF-style: chr16-56530917-C-CA.
Other names: c.1871dup, p.Leu624fs (NM_001377456.1); short protein forms L624fs.
Identifiers: ClinVar variation 5014632 (VCV005014632.1).

ClinVar aggregate classification (germline): Pathogenic (1 of 4 stars; one submission).

Conditions:
BBS2-related ciliopathy. Identifiers: MedGen CN378634, MONDO:1040048.

Submission:

Myriad Genetics, Inc.
Classification: Pathogenic for BBS2-related ciliopathy. Last evaluated: 2025-06-22. Review status: criteria provided, single submitter. Criteria: Myriad Autosomal Dominant, Autosomal Recessive and X-Linked Classification Criteria (2023). Collection method: clinical testing. Allele origin: unknown.
Comment: NM_031885.3(BBS2):c.1871dupT(L624Ffs*6) is expected to be pathogenic in the context of Bardet-Biedl syndrome, BBS2-related. This variant is predicted to lead to an abnormal or absent protein product due to the creation of a premature termination codon in BBS2, a gene where loss-of-function variants are known to be pathogenic. Please note: this variant was assessed in the context of healthy population screening.